The following is an entry in ClinVar:

ClinVar aggregate classification (germline): Conflicting classifications of pathogenicity. Review status: criteria provided, conflicting classifications (1 of 4 stars). 3 submissions from 3 submitters: Uncertain significance (2); Likely benign (1). Last evaluated 2024-04-04.

Conditions:
Mitochondrial DNA depletion syndrome 13. Also called: Mitochondrial DNA depletion syndrome 13 (encephalomyopathic type); FBXL4-Related Encephalomyopathic Mitochondrial DNA Depletion Syndrome. Identifiers: Orphanet 369897, MedGen C3809592, MONDO:0014198, OMIM 615471.

Allele frequency attached by ClinVar (database versions not stated): gnomAD 0.00001; gnomAD exomes 0.00001 and 0.00002; TOPMed 0.00001; ExAC 0.00002.
gnomAD v4.1: 13 of 1,613,910 alleles (0.00081%); highest among the groups gnomAD compares: Non-Finnish European, 0.001%; no homozygotes.

Submissions (3):

Blueprint Genetics
Classification: Likely benign. Last evaluated: 2024-04-04. Review status: criteria provided, single submitter. Criteria: ACMG Guidelines, 2015. Collection method: clinical testing. Allele origin: germline.

Labcorp Genetics (formerly Invitae), Labcorp
Classification: Uncertain significance. Last evaluated: 2022-07-23. Review status: criteria provided, single submitter. Criteria: Invitae Variant Classification Sherloc (09022015). Collection method: clinical testing. Allele origin: germline.
Comment: This sequence change replaces serine, which is neutral and polar, with asparagine, which is neutral and polar, at codon 261 of the FBXL4 protein (p.Ser261Asn). This variant is present in population databases (rs763612215, gnomAD 0.004%). This variant has not been reported in the literature in individuals affected with FBXL4-related conditions. ClinVar contains an entry for this variant (Variation ID: 437636). Advanced modeling of protein sequence and biophysical properties (such as structural, functional, and spatial information, amino acid conservation, physicochemical variation, residue mobility, and thermodynamic stability) performed at Invitae indicates that this missense variant is not expected to disrupt FBXL4 protein function. In summary, the available evidence is currently insufficient to determine the role of this variant in disease. Therefore, it has been classified as a Variant of Uncertain Significance.

Wong Mito Lab, Molecular and Human Genetics, Baylor College of Medicine
Classification: Uncertain significance for Mitochondrial DNA depletion syndrome 13. Last evaluated: 2017-08-10. Review status: criteria provided, single submitter. Criteria: ACMG Guidelines, 2015. Collection method: reference population. Allele origin: germline.
Comment: The NM_012160.4:c.782G>A (NP_036292.2:p.Ser261Asn) [GRCH38: NC_000006.12:g.98917450C>T] variant in FBXL4 gene is interpretated to be a Uncertain Significance - Conflicting Evidence based on ACMG guidelines (PMID: 25741868). This variant meets one or more of the following evidence codes reported in the ACMG-guideline. PM2:This variant is absent in key population databases. BP4:Computational evidence/predictors indicate no impact on the FBXL4 structure, function, or protein-protein interaction. Based on this evidence code ClinGen Pathogenicity Calculator (PMID:28081714) suggested that the variant is Uncertain Significance - Conflicting Evidence.

NM_001278716.2(FBXL4):c.782G>A (p.Ser261Asn)

Gene: FBXL4 (F-box and leucine rich repeat protein 4; minus strand). Cytogenetic location: 6q16.2.
Variant type: single nucleotide variant.
Coding change: c.782G>A on transcript NM_001278716.2 (MANE Select); coding-DNA position 782, G replaced by A.
Protein change: p.Ser261Asn; replaces serine 261 with asparagine.
Molecular consequence: missense variant.
Genome position (GRCh38, 1-based): chr6:98,917,450, C>T on the plus strand (G>A on the coding strand, the complement: FBXL4 is on the minus strand). VCF-style: chr6-98917450-C-T. GRCh37 (hg19) VCF-style: chr6-99365326-C-T.
Other names: c.782G>A, p.Ser261Asn (NM_012160.5); short protein forms S261N.
Identifiers: ClinVar variation 437636 (VCV000437636.4), dbSNP rs763612215, ClinGen allele CA3933616.
Genomic context (GRCh38, chr6:98,917,450, plus strand): 5'-TCAAAATACCCATTATTTGGCCCTTCCCCGAGGACAGCACTGCTAAACTTTTTGTTAAGA[C>T]TGTCCATTCCACAACCATCCTTTTCTGCATAGGCATCATCTTCTATATCATTCATGTCAA-3'
Protein context (NP_001265645.1, residues 251-271): YAEKDGCGMD[Ser261Asn]LNKKFSSAVL